The following is an entry in ClinVar:

NM_030632.3(ASXL3):c.6098C>T (p.Pro2033Leu)

Gene: ASXL3 (ASXL transcriptional regulator 3; plus strand). Cytogenetic location: 18q12.1.
Variant type: single nucleotide variant.
Coding change: c.6098C>T on transcript NM_030632.3 (MANE Select); coding-DNA position 6098, C replaced by T.
Protein change: p.Pro2033Leu; replaces proline 2033 with leucine.
Molecular consequence: missense variant.
Genome position (GRCh38, 1-based): chr18:33,745,946, C>T. VCF-style: chr18-33745946-C-T. GRCh37 (hg19) VCF-style: chr18-31325910-C-T.
Other names: short protein forms P2033L.
Identifiers: ClinVar variation 2210733 (VCV002210733.3), dbSNP rs764352879, ClinGen allele CA402196144.

ClinVar aggregate classification (germline): Conflicting classifications of pathogenicity. Review status: criteria provided, conflicting classifications (1 of 4 stars). 2 submissions from 2 submitters: Uncertain significance (1); Likely benign (1). Last evaluated 2025-02-24.

Conditions:
Inborn genetic diseases. Identifiers: MedGen C0950123, MeSH D030342.

Submissions (2):

Women's Health and Genetics/Laboratory Corporation of America, LabCorp
Classification: Uncertain significance. Last evaluated: 2025-02-24. Review status: criteria provided, single submitter. Criteria: LabCorp Variant Classification Summary - May 2015. Collection method: clinical testing. Allele origin: germline.
Comment: Variant summary: ASXL3 c.6098C>T (p.Pro2033Leu) results in a non-conservative amino acid change in the encoded protein sequence. Three of five in-silico tools predict a damaging effect of the variant on protein function. The frequency data for this variant in gnomAD is considered unreliable, as metrics indicate poor data quality at this position. To our knowledge, no occurrence of c.6098C>T in individuals affected with Bainbridge-Ropers Syndrome and no experimental evidence demonstrating its impact on protein function have been reported. ClinVar contains an entry for this variant (Variation ID: 2210733). Based on the evidence outlined above, the variant was classified as uncertain significance.

Ambry Genetics
Classification: Likely benign for Inborn genetic diseases. Last evaluated: 2021-06-22. Review status: criteria provided, single submitter. Criteria: Ambry Variant Classification Scheme 2023. Collection method: clinical testing. Allele origin: germline.